The following is an entry in ClinVar:

NM_000234.3(LIG1):c.1936G>T (p.Val646Leu)

Gene: LIG1 (DNA ligase 1; minus strand). Cytogenetic location: 19q13.33.
Variant type: single nucleotide variant.
Coding change: c.1936G>T on transcript NM_000234.3 (MANE Select); coding-DNA position 1936, G replaced by T.
Protein change: p.Val646Leu; replaces valine 646 with leucine.
Molecular consequence: missense variant. On other transcripts: non-coding transcript variant (6).
Genome position (GRCh38, 1-based): chr19:48,127,345, C>A on the plus strand (G>T on the coding strand, the complement: LIG1 is on the minus strand). VCF-style: chr19-48127345-C-A. GRCh37 (hg19) VCF-style: chr19-48630602-C-A.
Other names: c.1843G>T, p.Val615Leu (NM_001289063.2); c.1732G>T, p.Val578Leu (NM_001289064.2); c.1933G>T, p.Val645Leu (NM_001320970.2); c.1846G>T, p.Val616Leu (NM_001320971.2); short protein forms V615L, V578L, V616L, V645L, V646L.
Identifiers: ClinVar variation 2004523 (VCV002004523.4), dbSNP rs2033736097, ClinGen allele CA406645016.
Genomic context (GRCh38, chr19:48,127,345, plus strand): 5'-TGAGGTAGATGAGGTCGAAGGCGTACAAACACACCTGCACCTGGATCTCAGACGCATCCA[C>A]CTCCTGGGTTGGGGCACAACGGAGTTCGTGAGTGCAGGAAGGTGAGACGGGGCACTGTGC-3'
Protein context (NP_000225.1, residues 636-656): QVLTTRKRKE[Val646Leu]DASEIQVQVC

ClinVar aggregate classification (germline): Uncertain significance (1 of 4 stars; one submission).

Allele frequency attached by ClinVar (database versions not stated): TOPMed below 0.00001.

Submission:

Labcorp Genetics (formerly Invitae), Labcorp
Classification: Uncertain significance. Last evaluated: 2022-04-18. Review status: criteria provided, single submitter. Criteria: Invitae Variant Classification Sherloc (09022015). Collection method: clinical testing. Allele origin: germline.
Comment: Algorithms developed to predict the effect of missense changes on protein structure and function are either unavailable or do not agree on the potential impact of this missense change (SIFT: "Deleterious"; PolyPhen-2: "Benign"; Align-GVGD: "Class C0"). This variant has not been reported in the literature in individuals affected with LIG1-related conditions. This variant is not present in population databases (gnomAD no frequency). This sequence change replaces valine, which is neutral and non-polar, with leucine, which is neutral and non-polar, at codon 646 of the LIG1 protein (p.Val646Leu). In summary, the available evidence is currently insufficient to determine the role of this variant in disease. Therefore, it has been classified as a Variant of Uncertain Significance.